The following is an entry in ClinVar:

ClinVar aggregate classification (germline): Uncertain significance. Review status: criteria provided, multiple submitters, no conflicts (2 of 4 stars). 2 submissions from 2 submitters: Uncertain significance (2). Last evaluated 2022-05-19.

Conditions:
Hereditary breast ovarian cancer syndrome. Also called: Hereditary breast and ovarian cancer syndrome (HBOC); BRCA1- and BRCA2-Associated Hereditary Breast and Ovarian Cancer; Hereditary breast and ovarian cancer syndrome; Breast and ovarian cancer; Hereditary breast and ovarian cancer; Hereditary breast and/or ovarian cancer syndrome. Identifiers: Orphanet 145, MedGen C0677776, MeSH D061325, MONDO:0003582. Disease mechanism: loss of function.
Hereditary cancer-predisposing syndrome. Also called: Hereditary neoplastic syndrome; Neoplastic Syndromes, Hereditary; Tumor predisposition; Hereditary Cancer Syndrome. Identifiers: Orphanet 140162, MedGen C0027672, MeSH D009386, MONDO:0015356.

Allele frequency attached by ClinVar (database versions not stated): TOPMed below 0.00001; gnomAD 0.00001.
gnomAD v4.1: 4 of 1,613,262 alleles (0.00025%); highest among the groups gnomAD compares: South Asian, 0.0033%; no homozygotes.

Submissions (2):

Ambry Genetics
Classification: Uncertain significance for Hereditary cancer-predisposing syndrome. Last evaluated: 2022-05-19. Review status: criteria provided, single submitter. Criteria: Ambry Variant Classification Scheme 2023. Collection method: clinical testing. Allele origin: germline.
Comment: The p.V2423I variant (also known as c.7267G>A), located in coding exon 13 of the BRCA2 gene, results from a G to A substitution at nucleotide position 7267. The valine at codon 2423 is replaced by isoleucine, an amino acid with highly similar properties. This amino acid position is conserved. In addition, this alteration is predicted to be tolerated by in silico analysis. Since supporting evidence is limited at this time, the clinical significance of this alteration remains unclear.

Labcorp Genetics (formerly Invitae), Labcorp
Classification: Uncertain significance for Hereditary breast ovarian cancer syndrome. Last evaluated: 2017-08-14. Review status: criteria provided, single submitter. Criteria: Invitae Variant Classification Sherloc (09022015). Collection method: clinical testing. Allele origin: germline.
Comment: This sequence change replaces valine with isoleucine at codon 2423 of the BRCA2 protein (p.Val2423Ile). The valine residue is weakly conserved and there is a small physicochemical difference between valine and isoleucine. In summary, the available evidence is currently insufficient to determine the role of this variant in disease. Therefore, it has been classified as a Variant of Uncertain Significance. Algorithms developed to predict the effect of missense changes on protein structure and function output the following: SIFT: "Tolerated"; PolyPhen-2: "Benign"; Align-GVGD: "Class C0". The isoleucine amino acid residue is found in multiple mammalian species, suggesting that this missense change does not adversely affect protein function. These predictions have not been confirmed by published functional studies and their clinical significance is uncertain. This variant has not been reported in the literature in individuals with BRCA2-related disease. This variant is not present in population databases (ExAC no frequency).

NM_000059.4(BRCA2):c.7267G>A (p.Val2423Ile)

Gene: BRCA2 (BRCA2 DNA repair associated; plus strand). Cytogenetic location: 13q13.1.
Variant type: single nucleotide variant.
Coding change: c.7267G>A on transcript NM_000059.4 (MANE Select); coding-DNA position 7267, G replaced by A.
Protein change: p.Val2423Ile; replaces valine 2423 with isoleucine.
Molecular consequence: missense variant.
Genome position (GRCh38, 1-based): chr13:32,355,120, G>A. VCF-style: chr13-32355120-G-A. GRCh37 (hg19) VCF-style: chr13-32929257-G-A.
Other names: short protein forms V2423I.
Identifiers: ClinVar variation 531306 (VCV000531306.11), dbSNP rs1393996926, ClinGen allele CA387740572.